The following is an entry in ClinVar:

ClinVar aggregate classification (germline): Uncertain significance (1 of 4 stars; one submission).

Submission:

Labcorp Genetics (formerly Invitae), Labcorp
Classification: Uncertain significance. Last evaluated: 2021-09-24. Review status: criteria provided, single submitter. Criteria: Invitae Variant Classification Sherloc (09022015). Collection method: clinical testing. Allele origin: germline.
Comment: This sequence change replaces isoleucine with valine at codon 509 of the AGBL5 protein (p.Ile509Val). The isoleucine residue is highly conserved and there is a small physicochemical difference between isoleucine and valine. Algorithms developed to predict the effect of sequence changes on RNA splicing suggest that this variant may create or strengthen a splice site. Algorithms developed to predict the effect of missense changes on protein structure and function (SIFT, PolyPhen-2, Align-GVGD) all suggest that this variant is likely to be tolerated. This variant has not been reported in the literature in individuals affected with AGBL5-related conditions. This variant is not present in population databases (ExAC no frequency). In summary, the available evidence is currently insufficient to determine the role of this variant in disease. Therefore, it has been classified as a Variant of Uncertain Significance.

NM_021831.6(AGBL5):c.1525A>G (p.Ile509Val)

Gene: AGBL5 (AGBL carboxypeptidase 5; plus strand). Cytogenetic location: 2p23.3.
Variant type: single nucleotide variant.
Coding change: c.1525A>G on transcript NM_021831.6 (MANE Select); coding-DNA position 1525, A replaced by G.
Protein change: p.Ile509Val; replaces isoleucine 509 with valine.
Molecular consequence: missense variant. On other transcripts: non-coding transcript variant (2).
Genome position (GRCh38, 1-based): chr2:27,056,782, A>G. VCF-style: chr2-27056782-A-G. GRCh37 (hg19) VCF-style: chr2-27279650-A-G.
Other names: c.1525A>G, p.Ile509Val (NM_001035507.3); short protein forms I509V.
Identifiers: ClinVar variation 1480610 (VCV001480610.6), dbSNP rs2148279057, ClinGen allele CA346183112.